The following is an entry in ClinVar:

ClinVar aggregate classification (germline): Uncertain significance (1 of 4 stars; one submission).

Conditions:
Ehlers-Danlos syndrome, classic type, 2 (EDSCL2). Also called: Ehlers-Danlos syndrome, type 2; Ehlers-Danlos Syndrome, Classic Type, COL5A2-Related; Ehlers-Danlos syndrome type 2 (formerly). Identifiers: Orphanet 287, Orphanet 90318, MedGen C0268336, MONDO:0019568, OMIM 130010.

Submission:

Laboratorio de Genetica e Diagnostico Molecular, Hospital Israelita Albert Einstein
Classification: Uncertain significance for Ehlers-Danlos syndrome, classic type, 2. Last evaluated: 2025-05-19. Review status: criteria provided, single submitter. Criteria: ACMG Guidelines, 2015. Collection method: clinical testing. Allele origin: germline. Affected: yes.
Comment: ACMG classification criteria: PVS1 moderate, PM2 supporting

NM_000393.5(COL5A2):c.2392-2A>G

Gene: COL5A2 (collagen type V alpha 2 chain; minus strand). Cytogenetic location: 2q32.2.
Variant type: single nucleotide variant.
Coding change: c.2392-2A>G on transcript NM_000393.5 (MANE Select); the canonical splice acceptor site of the intron before coding-DNA position 2392, A replaced by G.
Molecular consequence: splice acceptor variant.
Genome position (GRCh38, 1-based): chr2:189,054,214, T>C on the plus strand (A>G on the coding strand, the complement: COL5A2 is on the minus strand). VCF-style: chr2-189054214-T-C. GRCh37 (hg19) VCF-style: chr2-189918940-T-C.
Identifiers: ClinVar variation 3901918 (VCV003901918.1).